The following is an entry in ClinVar:

ClinVar aggregate classification (germline): Uncertain significance (1 of 4 stars; one submission).

Allele frequency attached by ClinVar (database versions not stated): gnomAD exomes 0.00004; ExAC 0.00003; TOPMed 0.00001.
gnomAD v4.1: 12 of 1,613,972 alleles (0.00074%); highest among the groups gnomAD compares: Admixed American, 0.02%; no homozygotes.

Submission:

Labcorp Genetics (formerly Invitae), Labcorp
Classification: Uncertain significance. Last evaluated: 2022-09-27. Review status: criteria provided, single submitter. Criteria: Invitae Variant Classification Sherloc (09022015). Collection method: clinical testing. Allele origin: germline.
Comment: In summary, the available evidence is currently insufficient to determine the role of this variant in disease. Therefore, it has been classified as a Variant of Uncertain Significance. Advanced modeling of protein sequence and biophysical properties (such as structural, functional, and spatial information, amino acid conservation, physicochemical variation, residue mobility, and thermodynamic stability) performed at Invitae indicates that this missense variant is not expected to disrupt GRM6 protein function. ClinVar contains an entry for this variant (Variation ID: 1509200). This variant has not been reported in the literature in individuals affected with GRM6-related conditions. This variant is present in population databases (rs763837722, gnomAD 0.03%). This sequence change replaces glycine, which is neutral and non-polar, with aspartic acid, which is acidic and polar, at codon 390 of the GRM6 protein (p.Gly390Asp).

NM_000843.4(GRM6):c.1169G>A (p.Gly390Asp)

Genes: GRM6 (glutamate metabotropic receptor 6; minus strand), ZNF454 (zinc finger protein 454; plus strand). Cytogenetic location: 5q35.3.
Variant type: single nucleotide variant.
Coding change: c.1169G>A on transcript NM_000843.4 (MANE Select); coding-DNA position 1169, G replaced by A.
Protein change: p.Gly390Asp; replaces glycine 390 with aspartic acid.
Molecular consequence: missense variant.
Genome position (GRCh38, 1-based): chr5:178,989,120, C>T on the plus strand (G>A on the coding strand, the complement: GRM6 is on the minus strand). VCF-style: chr5-178989120-C-T. GRCh37 (hg19) VCF-style: chr5-178416121-C-T.
Other names: short protein forms G390D.
Identifiers: ClinVar variation 1509200 (VCV001509200.4), dbSNP rs763837722, ClinGen allele CA3594163.